The following is an entry in ClinVar:

NM_001273.5(CHD4):c.4621_4623del (p.Pro1541del)

Genes: CHD4 (chromodomain helicase DNA binding protein 4; minus strand), CHD4-AS1 (CHD4 antisense RNA 1; plus strand). Cytogenetic location: 12p13.31.
Variant type: Deletion.
Coding change: c.4621_4623del on transcript NM_001273.5 (MANE Select); coding-DNA positions 4621 to 4623, 3 bases deleted (CCT; older notation c.4621_4623delCCT).
Protein change: p.Pro1541del; deletes proline 1541.
Molecular consequence: inframe deletion.
Genome position (GRCh38, 1-based): chr12:6,581,707-6,581,709, AGG deleted on the plus strand (CCT on the coding strand, the reverse complement: CHD4 is on the minus strand); deleting any 3 consecutive bases within chr12:6,581,707-6,581,711 gives the same sequence; the c. name uses the placement nearest the transcript's 3' end. VCF-style (leftmost placement, unchanged base first): chr12-6581706-TAGG-T. GRCh37 (hg19) VCF-style: chr12-6690872-TAGG-T.
Other names: c.4600_4602del, p.Pro1534del (NM_001297553.2); c.4582_4584del, p.Pro1528del (NM_001363606.2); short protein forms P1528del, P1534del, P1541del.
Identifiers: ClinVar variation 2582136 (VCV002582136.1), dbSNP rs2540380348, ClinGen allele CA2582342487.

ClinVar aggregate classification (germline): Uncertain significance (1 of 4 stars; one submission).

Submission:

GeneDx
Classification: Uncertain significance. Last evaluated: 2023-03-29. Review status: criteria provided, single submitter. Criteria: GeneDx Variant Classification Process June 2021. Collection method: clinical testing. Allele origin: germline. Affected: yes.
Comment: Not observed at significant frequency in large population cohorts (gnomAD); In-frame deletion of 1 amino acid in a non-repeat region; In silico analysis supports a deleterious effect on protein structure/function; Has not been previously published as pathogenic or benign to our knowledge